The following is an entry in ClinVar:

NM_001378183.1(PIEZO2):c.1619C>T (p.Ala540Val)

Gene: PIEZO2 (piezo type mechanosensitive ion channel component 2; minus strand). Cytogenetic location: 18p11.22.
Variant type: single nucleotide variant.
Coding change: c.1619C>T on transcript NM_001378183.1 (MANE Select); coding-DNA position 1619, C replaced by T.
Protein change: p.Ala540Val; replaces alanine 540 with valine.
Molecular consequence: missense variant.
Genome position (GRCh38, 1-based): chr18:10,794,911, G>A on the plus strand (C>T on the coding strand, the complement: PIEZO2 is on the minus strand). VCF-style: chr18-10794911-G-A. GRCh37 (hg19) VCF-style: chr18-10794909-G-A.
Other names: c.1619C>T, p.Ala540Val (NM_001410871.1, NM_022068.4); short protein forms A540V.
Identifiers: ClinVar variation 2663496 (VCV002663496.1), dbSNP rs868273217, ClinGen allele CA296004709.

ClinVar aggregate classification (germline): Uncertain significance (1 of 4 stars; one submission).

Submission:

GeneDx
Classification: Uncertain significance. Last evaluated: 2023-04-24. Review status: criteria provided, single submitter. Criteria: GeneDx Variant Classification Process June 2021. Collection method: clinical testing. Allele origin: germline. Affected: yes.
Comment: Not observed at significant frequency in large population cohorts (gnomAD); In silico analysis supports that this missense variant has a deleterious effect on protein structure/function; Has not been previously published as pathogenic or benign to our knowledge